The following is an entry in ClinVar:

ClinVar aggregate classification (germline): Likely benign (0 of 4 stars; one submission).

Conditions:
NF1-related disorder. Also called: NF1-related condition. Identifiers: MedGen CN379171.

Allele frequency attached by ClinVar (database versions not stated): TOPMed 0.00001; gnomAD 0.00003; ExAC 0.00008; 1000 Genomes Project 0.00020; 1000 Genomes Project 30x 0.00078.
gnomAD v4.1: 22 of 1,537,546 alleles (0.0014%); highest among the groups gnomAD compares: East Asian, 0.029%; no homozygotes.

Submission:

PreventionGenetics, part of Exact Sciences
Classification: Likely benign for NF1-related condition. Last evaluated: 2020-08-14. Review status: no assertion criteria provided. Collection method: clinical testing. Allele origin: germline.
Comment: This variant is classified as likely benign based on ACMG/AMP sequence variant interpretation guidelines (Richards et al. 2015 PMID: 25741868, with internal and published modifications).

NM_001042492.3(NF1):c.60+23G>C

Genes: MIR4733HG (MIR4733 host gene; minus strand), NF1 (neurofibromin 1; plus strand). Cytogenetic location: 17q11.2.
Variant type: single nucleotide variant.
Coding change: c.60+23G>C on transcript NM_001042492.3 (MANE Select); 23 bases into the intron after coding-DNA position 60, G replaced by C.
Molecular consequence: intron variant. On other transcripts: non-coding transcript variant (1).
Genome position (GRCh38, 1-based): chr17:31,095,392, G>C. VCF-style: chr17-31095392-G-C. GRCh37 (hg19) VCF-style: chr17-29422410-G-C.
Other names: c.60+23G>C (NM_000267.4, NM_001128147.3).
Identifiers: ClinVar variation 3053971 (VCV003053971.2), dbSNP rs550767175, ClinGen allele CA8485443.
Genomic context (GRCh38, chr17:31,095,392, plus strand): 5'-AATGGGTCCAGGCCGTGGTCAGCCGCTTCGACGAGCAGGTAACCGGCCCGTGGCGGGCGG[G>C]AGGTGGGAGCGGAGTGGGGGTGGGGACAGAGTAGGTGAGGGGAGGTAGGAGCGGCCGCCT-3'